The following is an entry in ClinVar:

ClinVar aggregate classification (germline): Uncertain significance. Review status: criteria provided, multiple submitters, no conflicts (2 of 4 stars). 3 submissions from 3 submitters: Uncertain significance (3). Last evaluated 2026-04-13.

Conditions:
Hereditary cancer-predisposing syndrome. Also called: Tumor predisposition; Neoplastic Syndromes, Hereditary; Hereditary Cancer Syndrome; Hereditary neoplastic syndrome. Identifiers: Orphanet 140162, MedGen C0027672, MeSH D009386, MONDO:0015356.
Baller-Gerold syndrome (BGS). Also called: CRANIOSYNOSTOSIS WITH RADIAL DEFECTS. Identifiers: Orphanet 1225, MedGen C0265308, MONDO:0009039, OMIM 218600.
Inborn genetic diseases. Identifiers: MedGen C0950123, MeSH D030342.

Submissions (3):

Ambry Genetics
Classification: Uncertain significance for Inborn genetic diseases. Last evaluated: 2026-04-13. Review status: criteria provided, single submitter. Criteria: Ambry Variant Classification Scheme 2023. Collection method: clinical testing. Allele origin: germline.
Comment: The p.A328P variant (also known as c.982G>C), located in coding exon 5 of the RECQL4 gene, results from a G to C substitution at nucleotide position 982. The alanine at codon 328 is replaced by proline, an amino acid with highly similar properties. This amino acid position is conserved. In addition, this alteration is predicted to be tolerated by in silico analysis. Based on the available evidence, the clinical significance of this variant remains unclear.

Labcorp Genetics (formerly Invitae), Labcorp
Classification: Uncertain significance for Baller-Gerold syndrome. Last evaluated: 2022-12-20. Review status: criteria provided, single submitter. Criteria: Invitae Variant Classification Sherloc (09022015). Collection method: clinical testing. Allele origin: germline.
Comment: Advanced modeling of protein sequence and biophysical properties (such as structural, functional, and spatial information, amino acid conservation, physicochemical variation, residue mobility, and thermodynamic stability) performed at Invitae indicates that this missense variant is not expected to disrupt RECQL4 protein function. ClinVar contains an entry for this variant (Variation ID: 1401030). This variant has not been reported in the literature in individuals affected with RECQL4-related conditions. This variant is not present in population databases (gnomAD no frequency). This sequence change replaces alanine, which is neutral and non-polar, with proline, which is neutral and non-polar, at codon 328 of the RECQL4 protein (p.Ala328Pro). In summary, the available evidence is currently insufficient to determine the role of this variant in disease. Therefore, it has been classified as a Variant of Uncertain Significance.

Sema4
Classification: Uncertain significance for Hereditary cancer-predisposing syndrome. Last evaluated: 2022-02-04. Review status: criteria provided, single submitter. Criteria: Sema4 Curation Guidelines. Collection method: curation. Allele origin: germline.
Comment: The RECQL4 c.982G>C (p.A328P) variant has not been reported in the literature to our knowledge. It was not observed in the large and broad cohorts of the Genome Aggregation Database (PMID: 32461654). The variant has not been reported in ClinVar. In silico tools suggest the impact of the variant on protein function is benign, though these predictions have not been confirmed by functional studies. The evidence is insufficient to meet ACMG/AMP criteria for classifying the variant as benign or pathogenic. Thus, the clinical significance of this variant is currently uncertain.

NM_004260.4(RECQL4):c.982G>C (p.Ala328Pro)

Gene: RECQL4 (RecQ like helicase 4; minus strand). Cytogenetic location: 8q24.3.
Variant type: single nucleotide variant.
Coding change: c.982G>C on transcript NM_004260.4 (MANE Select); coding-DNA position 982, G replaced by C.
Protein change: p.Ala328Pro; replaces alanine 328 with proline.
Molecular consequence: missense variant.
Genome position (GRCh38, 1-based): chr8:144,516,137, C>G on the plus strand (G>C on the coding strand, the complement: RECQL4 is on the minus strand). VCF-style: chr8-144516137-C-G. GRCh37 (hg19) VCF-style: chr8-145741521-C-G.
Other names: short protein forms A328P.
Identifiers: ClinVar variation 1401030 (VCV001401030.8), dbSNP rs2130718555, ClinGen allele CA372688439.